The following is an entry in ClinVar:

NM_002711.4(PPP1R3A):c.2885G>A (p.Gly962Asp)

Gene: PPP1R3A (protein phosphatase 1 regulatory subunit 3A; minus strand). Cytogenetic location: 7q31.1.
Variant type: single nucleotide variant.
Coding change: c.2885G>A on transcript NM_002711.4 (MANE Select); coding-DNA position 2885, G replaced by A.
Protein change: p.Gly962Asp; replaces glycine 962 with aspartic acid.
Molecular consequence: missense variant.
Genome position (GRCh38, 1-based): chr7:113,878,207, C>T on the plus strand (G>A on the coding strand, the complement: PPP1R3A is on the minus strand). VCF-style: chr7-113878207-C-T. GRCh37 (hg19) VCF-style: chr7-113518262-C-T.
Other names: short protein forms G962D.
Identifiers: ClinVar variation 917448 (VCV000917448.2), dbSNP rs148408134, ClinGen allele CA4444990.

ClinVar aggregate classification (germline): Likely benign (1 of 4 stars; one submission).

Conditions:
Monogenic diabetes. Identifiers: Orphanet 183625, MedGen C3888631, MONDO:0015967.

Allele frequency attached by ClinVar (database versions not stated): gnomAD exomes 0.00030 and 0.00056; ExAC 0.00063; 1000 Genomes Project 30x 0.00078; 1000 Genomes Project 0.00080; gnomAD 0.00090 and 0.00092; TOPMed 0.00102; ESP Exome Variant Server 0.00123.
gnomAD v4.1: 609 of 1,613,268 alleles (0.038%); highest among the groups gnomAD compares: African/African-American, 0.24%; 1 homozygote.

Submission:

Personalized Diabetes Medicine Program, University of Maryland School of Medicine
Classification: Likely benign for Monogenic diabetes. Last evaluated: 2018-01-26. Review status: criteria provided, single submitter. Criteria: ACMG Guidelines, 2015. Collection method: research. Allele origin: unknown. Observed: 2 variant alleles, 2 heterozygotes.
Comment: ACMG criteria: BP4 (9 predictors), BS2 (161 hets in gnomAD)=likely benign